The following is an entry in ClinVar:

ClinVar aggregate classification (germline): Pathogenic (1 of 4 stars; one submission).

Submission:

Labcorp Genetics (formerly Invitae), Labcorp
Classification: Pathogenic. Last evaluated: 2025-12-17. Review status: criteria provided, single submitter. Criteria: Invitae Variant Classification Sherloc (09022015). Collection method: clinical testing. Allele origin: germline.
Comment: This sequence change creates a premature translational stop signal (p.Val4041Cysfs*4) in the ADGRV1 gene. It is expected to result in an absent or disrupted protein product. Loss-of-function variants in ADGRV1 are known to be pathogenic (PMID: 19357117, 22135276, 22147658, 26226137, 30718709, 31047384, 32467589). This variant is not present in population databases (gnomAD no frequency). This variant has not been reported in the literature in individuals affected with ADGRV1-related conditions. ClinVar contains an entry for this variant (Variation ID: 3694387). For these reasons, this variant has been classified as Pathogenic.

Literature cited by the submitters: PubMed 19357117; PubMed 22135276; PubMed 22147658; PubMed 26226137; PubMed 30718709; PubMed 31047384; PubMed 32467589.

NM_032119.4(ADGRV1):c.12120dup (p.Val4041fs)

Gene: ADGRV1 (adhesion G protein-coupled receptor V1; plus strand). Cytogenetic location: 5q14.3.
Variant type: Duplication.
Coding change: c.12120dup on transcript NM_032119.4 (MANE Select); coding-DNA position 12120, one base duplicated (T; older notation c.12120dupT).
Protein change: p.Val4041fs; shifts the reading frame from valine 4041.
Molecular consequence: frameshift variant. On other transcripts: non-coding transcript variant (1).
Genome position (GRCh38, 1-based): chr5:90,759,588, T duplicated. VCF-style (leftmost placement, unchanged base first): chr5-90759587-C-CT. GRCh37 (hg19) VCF-style: chr5-90055404-C-CT.
Other names: short protein forms V4041fs.
Identifiers: ClinVar variation 3694387 (VCV003694387.2).
Genomic context (GRCh38, chr5:90,759,587, plus strand): 5'-TAACTGTTGTTATTCCACAAAATGATTCTCCATTTGGAGTATTTGGATTTGAAGAAAAGA[C>CT]TGTAAGTTAAACATATCAGGGGAAAGCCTTGTTTCAGGCTAGCGTTTCATGTAATTTTGA-3'